The following is an entry in ClinVar:

NM_025144.4(ALPK1):c.651A>G (p.Ile217Met)

Gene: ALPK1 (alpha kinase 1; plus strand). Cytogenetic location: 4q25.
Variant type: single nucleotide variant.
Coding change: c.651A>G on transcript NM_025144.4 (MANE Select); coding-DNA position 651, A replaced by G.
Protein change: p.Ile217Met; replaces isoleucine 217 with methionine.
Molecular consequence: missense variant.
Genome position (GRCh38, 1-based): chr4:112,426,495, A>G. VCF-style: chr4-112426495-A-G. GRCh37 (hg19) VCF-style: chr4-113347651-A-G.
Other names: c.651A>G, p.Ile217Met (NM_001102406.2); c.417A>G, p.Ile139Met (NM_001253884.2); short protein forms I139M, I217M.
Identifiers: ClinVar variation 3614470 (VCV003614470.2).
Genomic context (GRCh38, chr4:112,426,495, plus strand): 5'-GTCCCTCTCCCCGCCCCTCTTTTTTTTTTCAGGGATGTGGTACGAAGCAGCAGAGTTAAT[A>G]TGGGCCTCCATTGTAGGATATTTGGCACTTCCTCAGCCGGATAAAAAGGTGGTTTGTCTA-3'
Protein context (NP_079420.3, residues 207-227): LGMWYEAAEL[Ile217Met]WASIVGYLAL

ClinVar aggregate classification (germline): Uncertain significance (1 of 4 stars; one submission).

gnomAD v4.1: 3 of 1,600,022 alleles (0.00019%); highest among the groups gnomAD compares: Non-Finnish European, 0.00026%; no homozygotes.

Submission:

Labcorp Genetics (formerly Invitae), Labcorp
Classification: Uncertain significance. Last evaluated: 2024-03-16. Review status: criteria provided, single submitter. Criteria: Invitae Variant Classification Sherloc (09022015). Collection method: clinical testing. Allele origin: germline.
Comment: This sequence change replaces isoleucine, which is neutral and non-polar, with methionine, which is neutral and non-polar, at codon 217 of the ALPK1 protein (p.Ile217Met). This variant is not present in population databases (gnomAD no frequency). This variant has not been reported in the literature in individuals affected with ALPK1-related conditions. Advanced modeling of protein sequence and biophysical properties (such as structural, functional, and spatial information, amino acid conservation, physicochemical variation, residue mobility, and thermodynamic stability) performed at Invitae indicates that this missense variant is not expected to disrupt ALPK1 protein function with a negative predictive value of 80%. In summary, the available evidence is currently insufficient to determine the role of this variant in disease. Therefore, it has been classified as a Variant of Uncertain Significance.